The following is an entry in ClinVar:

NM_001349253.2(SCN11A):c.1347A>G (p.Glu449=)

Gene: SCN11A (sodium voltage-gated channel alpha subunit 11; minus strand). Cytogenetic location: 3p22.2.
Variant type: single nucleotide variant.
Coding change: c.1347A>G on transcript NM_001349253.2 (MANE Select); coding-DNA position 1347, A replaced by G.
Protein change: p.Glu449=; no amino-acid change (glutamic acid 449 retained).
Molecular consequence: synonymous variant.
Genome position (GRCh38, 1-based): chr3:38,908,075, T>C on the plus strand (A>G on the coding strand, the complement: SCN11A is on the minus strand). VCF-style: chr3-38908075-T-C. GRCh37 (hg19) VCF-style: chr3-38949566-T-C.
Other names: c.1347A>G (NM_014139.2); c.1347A>G, p.Glu449= (NM_014139.3).
Identifiers: ClinVar variation 1637142 (VCV001637142.9), dbSNP rs146534352, ClinGen allele CA2322335.
Genomic context (GRCh38, chr3:38,908,075, plus strand): 5'-GAAGGACTTCCTTTTCTTATTACCAAAGAGCTTTCTCTTTTTTGGGGTAAAATATGATGT[T>C]TCAAGGGAAGTAAGTGAACTTCTGTCAATTCCCATGGCAACCAGAGCCTTCAAATTGAAC-3'
Protein context (NP_001336182.1, residues 439-459): GIDRSSLTSL[Glu449=]TSYFTPKKRK

ClinVar aggregate classification (germline): Likely benign. Review status: criteria provided, multiple submitters, no conflicts (2 of 4 stars). 2 submissions from 2 submitters: Likely benign (2). Last evaluated 2026-07-16.

Conditions:
SCN11A-related disorder. Also called: SCN11A-related condition.
Hereditary sensory and autonomic neuropathy type 7. Also called: Neuropathy, hereditary sensory and autonomic, type VII; HSAN VII. Identifiers: Orphanet 391397, MedGen C3809882, MONDO:0014244, OMIM 615548.
Familial episodic pain syndrome with predominantly lower limb involvement. Also called: Episodic pain syndrome, familial, 3. Identifiers: Orphanet 391384, Orphanet 391392, MedGen C3809899, MONDO:0014247, OMIM 615552.

Allele frequency attached by ClinVar (database versions not stated): ExAC 0.00002; gnomAD exomes 0.00002 and 0.00003; gnomAD 0.00003; TOPMed 0.00003; ESP Exome Variant Server 0.00023.
gnomAD v4.1: 44 of 1,612,810 alleles (0.0027%); highest among the groups gnomAD compares: Non-Finnish European, 0.0034%; no homozygotes.

Submissions (2):

PreventionGenetics, part of Exact Sciences
Classification: Likely benign for SCN11A-related condition. Last evaluated: 2026-07-16. Review status: criteria provided, single submitter. Criteria: ACMG Guidelines, 2015. Collection method: clinical testing. Allele origin: germline.
Comment: This variant is classified as likely benign based on ACMG/AMP sequence variant interpretation guidelines (Richards et al. 2015 PMID: 25741868, with internal and published modifications).

Labcorp Genetics (formerly Invitae), Labcorp
Classification: Likely benign for Familial episodic pain syndrome with predominantly lower limb involvement; Hereditary sensory and autonomic neuropathy type 7. Last evaluated: 2023-10-17. Review status: criteria provided, single submitter. Criteria: Invitae Variant Classification Sherloc (09022015). Collection method: clinical testing. Allele origin: germline.